The following is an entry in ClinVar:

NM_004068.4(AP2M1):c.55G>A (p.Val19Ile)

Genes: AP2M1 (adaptor related protein complex 2 subunit mu 1; plus strand), LOC123453202 (Sharpr-MPRA regulatory region 464; plus strand). Cytogenetic location: 3q27.1.
Variant type: single nucleotide variant.
Coding change: c.55G>A on transcript NM_004068.4 (MANE Select); coding-DNA position 55, G replaced by A.
Protein change: p.Val19Ile; replaces valine 19 with isoleucine.
Molecular consequence: missense variant.
Genome position (GRCh38, 1-based): chr3:184,177,048, G>A. VCF-style: chr3-184177048-G-A. GRCh37 (hg19) VCF-style: chr3-183894836-G-A.
Other names: c.55G>A, p.Val19Ile (NM_001025205.2, NM_001311198.2); short protein forms V19I.
Identifiers: ClinVar variation 2909850 (VCV002909850.3), dbSNP rs757550426, ClinGen allele CA2727615.

ClinVar aggregate classification (germline): Uncertain significance (1 of 4 stars; one submission).

Allele frequency attached by ClinVar (database versions not stated): gnomAD 0.00002; ExAC 0.00003; gnomAD exomes 0.00003; TOPMed 0.00003.
gnomAD v4.1: 49 of 1,613,696 alleles (0.003%); highest among the groups gnomAD compares: Non-Finnish European, 0.0038%; no homozygotes.

Submission:

Labcorp Genetics (formerly Invitae), Labcorp
Classification: Uncertain significance. Last evaluated: 2023-08-31. Review status: criteria provided, single submitter. Criteria: Invitae Variant Classification Sherloc (09022015). Collection method: clinical testing. Allele origin: germline.
Comment: In summary, the available evidence is currently insufficient to determine the role of this variant in disease. Therefore, it has been classified as a Variant of Uncertain Significance. An algorithm developed to predict the effect of missense changes on protein structure and function (PolyPhen-2) suggests that this variant is likely to be tolerated. This variant has not been reported in the literature in individuals affected with AP2M1-related conditions. This variant is present in population databases (rs757550426, gnomAD 0.008%). This sequence change replaces valine, which is neutral and non-polar, with isoleucine, which is neutral and non-polar, at codon 19 of the AP2M1 protein (p.Val19Ile).